The following is an entry in ClinVar:

ClinVar aggregate classification (germline): Uncertain significance (1 of 4 stars; one submission).

gnomAD v4.1: 1 of 1,613,644 alleles (0.000062%); highest among the groups gnomAD compares: Non-Finnish European, 0.000085%; no homozygotes.

Submission:

Greenwood Genetic Center Diagnostic Laboratories, Greenwood Genetic Center
Classification: Uncertain significance. Last evaluated: 2023-08-10. Review status: criteria provided, single submitter. Criteria: ACMG Guidelines, 2015. Collection method: clinical testing. Allele origin: germline. Affected: yes.
Comment: Gene of Uncertain Significance

NM_001350145.3(PATJ):c.1850G>T (p.Arg617Leu)

Gene: PATJ (PATJ crumbs cell polarity complex component; plus strand). Cytogenetic location: 1p31.3.
Variant type: single nucleotide variant.
Coding change: c.1850G>T on transcript NM_001350145.3 (MANE Select); coding-DNA position 1850, G replaced by T.
Protein change: p.Arg617Leu; replaces arginine 617 with leucine.
Molecular consequence: missense variant.
Genome position (GRCh38, 1-based): chr1:61,827,453, G>T. VCF-style: chr1-61827453-G-T. GRCh37 (hg19) VCF-style: chr1-62293125-G-T.
Other names: c.1850G>T, p.Arg617Leu (NM_170605.2, NM_176877.5); short protein forms R617L.
Identifiers: ClinVar variation 2626879 (VCV002626879.1), dbSNP rs556613542, ClinGen allele CA340542649.
Genomic context (GRCh38, chr1:61,827,453, plus strand): 5'-AGTTCTGACTTATCCCCTTGTCTTCCTAGGTCAATGGCATGCAGCTTTATGGAAAATCTC[G>T]CCGAGAAGCAGTCTCCTTTCTTAAAGAAGTGCCACCCCCTTTTACTTTGGTTTGCTGTCG-3'
Protein context (NP_001337074.2, residues 607-627): VNGMQLYGKS[Arg617Leu]REAVSFLKEV